The following is an entry in ClinVar:

ClinVar aggregate classification (germline): Uncertain significance. Review status: criteria provided, multiple submitters, no conflicts (2 of 4 stars). 3 submissions from 3 submitters: Uncertain significance (3). Last evaluated 2025-05-29.

Conditions:
LRP5-related disorder. Also called: LRP5-related condition.
Inborn genetic diseases. Identifiers: MedGen C0950123, MeSH D030342.

Allele frequency attached by ClinVar (database versions not stated): ExAC 0.00001; gnomAD exomes 0.00001; TOPMed 0.00001.

Submissions (3):

Ambry Genetics
Classification: Uncertain significance for Inborn genetic diseases. Last evaluated: 2025-05-29. Review status: criteria provided, single submitter. Criteria: Ambry Variant Classification Scheme 2023. Collection method: clinical testing. Allele origin: germline.

PreventionGenetics, part of Exact Sciences
Classification: Uncertain significance for LRP5-related condition. Last evaluated: 2025-03-01. Review status: criteria provided, single submitter. Criteria: ACMG Guidelines, 2015. Collection method: clinical testing. Allele origin: germline.
Comment: The LRP5 c.1049C>T variant is predicted to result in the amino acid substitution p.Thr350Met. To our knowledge, this variant has not been reported in the literature. This variant is reported in 0.0058% of alleles in individuals of Latino descent in gnomAD. At this time, the clinical significance of this variant is uncertain due to the absence of conclusive functional and genetic evidence.

Labcorp Genetics (formerly Invitae), Labcorp
Classification: Uncertain significance. Last evaluated: 2024-02-06. Review status: criteria provided, single submitter. Criteria: Invitae Variant Classification Sherloc (09022015). Collection method: clinical testing. Allele origin: germline.
Comment: This sequence change replaces threonine, which is neutral and polar, with methionine, which is neutral and non-polar, at codon 350 of the LRP5 protein (p.Thr350Met). The frequency data for this variant in the population databases is considered unreliable, as metrics indicate poor data quality at this position in the gnomAD database. This variant has not been reported in the literature in individuals affected with LRP5-related conditions. Advanced modeling of protein sequence and biophysical properties (such as structural, functional, and spatial information, amino acid conservation, physicochemical variation, residue mobility, and thermodynamic stability) has been performed at Invitae for this missense variant, however the output from this modeling did not meet the statistical confidence thresholds required to predict the impact of this variant on LRP5 protein function. In summary, the available evidence is currently insufficient to determine the role of this variant in disease. Therefore, it has been classified as a Variant of Uncertain Significance.

NM_002335.4(LRP5):c.1049C>T (p.Thr350Met)

Gene: LRP5 (LDL receptor related protein 5; plus strand). Cytogenetic location: 11q13.2.
Variant type: single nucleotide variant.
Coding change: c.1049C>T on transcript NM_002335.4 (MANE Select); coding-DNA position 1049, C replaced by T.
Protein change: p.Thr350Met; replaces threonine 350 with methionine.
Molecular consequence: missense variant. On other transcripts: 5 prime UTR variant (1).
Genome position (GRCh38, 1-based): chr11:68,386,349, C>T. VCF-style: chr11-68386349-C-T. GRCh37 (hg19) VCF-style: chr11-68153817-C-T.
Other names: c.-717C>T (NM_001291902.2); c.1049C>T (NM_002335.3, NM_002335.2); short protein forms T350M.
Identifiers: ClinVar variation 2778871 (VCV002778871.5), dbSNP rs758679423, ClinGen allele CA6149232.